The following is an entry in ClinVar:

NM_001130438.3(SPTAN1):c.6654C>T (p.His2218=)

Gene: SPTAN1 (spectrin alpha, non-erythrocytic 1; plus strand). Cytogenetic location: 9q34.11.
Variant type: single nucleotide variant.
Coding change: c.6654C>T on transcript NM_001130438.3 (MANE Select); coding-DNA position 6654, C replaced by T.
Protein change: p.His2218=; no amino-acid change (histidine 2218 retained).
Molecular consequence: synonymous variant.
Genome position (GRCh38, 1-based): chr9:128,627,463, C>T. VCF-style: chr9-128627463-C-T. GRCh37 (hg19) VCF-style: chr9-131389742-C-T.
Other names: c.6579C>T, p.His2193= (NM_001195532.2); c.6654C>T, p.His2218= (NM_001363759.2); c.6594C>T, p.His2198= (NM_001363765.2); c.6639C>T, p.His2213= (NM_003127.4).
Identifiers: ClinVar variation 365177 (VCV000365177.23), dbSNP rs372825476, ClinGen allele CA5265758.
Genomic context (GRCh38, chr9:128,627,463, plus strand): 5'-GCAGAAGGAACAGCGGCGGCAGGAGGAGAACGACAAGCTGCGCCAGGAGTTTGCCCAGCA[C>T]GCCAACGCCTTCCACCAGTGGATCCAAGAGACCAGGTGCCAGCCCGCTGGGGCCGGGGAG-3'
Protein context (NP_001123910.1, residues 2208-2228): NDKLRQEFAQ[His2218=]ANAFHQWIQE

ClinVar aggregate classification (germline): Likely benign. Review status: criteria provided, multiple submitters, no conflicts (2 of 4 stars). 6 submissions from 6 submitters: Likely benign (6). Last evaluated 2026-08-01.

Conditions:
Developmental and epileptic encephalopathy, 5 (DEE5). Identifiers: Orphanet 3451, MedGen C3150731, MONDO:0013277, OMIM 613477.
Early-infantile DEE. Also called: Ohtahara syndrome; Early infantile epileptic encephalopathy; Early infantile epileptic encephalopathy with suppression bursts. Identifiers: Orphanet 1934, MedGen C0393706, MONDO:0800491.
SPTAN1-related disorder. Also called: SPTAN1-related disorders; SPTAN1-related condition.
Inborn genetic diseases. Identifiers: MedGen C0950123, MeSH D030342.

Allele frequency attached by ClinVar (database versions not stated): gnomAD exomes 0.00005; ESP Exome Variant Server 0.00008; gnomAD 0.00009; ExAC 0.00010; TOPMed 0.00014; 1000 Genomes Project 30x 0.00016; 1000 Genomes Project 0.00020.
gnomAD v4.1: 82 of 1,551,164 alleles (0.0053%); highest among the groups gnomAD compares: Admixed American, 0.012%; no homozygotes.

Submissions (6):

CeGaT Center for Human Genetics Tuebingen
Classification: Likely benign. Last evaluated: 2026-08-01. Review status: criteria provided, single submitter. Criteria: CeGaT Center For Human Genetics Tuebingen Variant Classification Criteria Version 2. Collection method: clinical testing. Allele origin: germline. Affected: yes. Observed: 2 variant alleles.
Comment: SPTAN1: BP4, BP7

PreventionGenetics, part of Exact Sciences
Classification: Likely benign for SPTAN1-related condition. Last evaluated: 2025-03-13. Review status: criteria provided, single submitter. Criteria: ACMG Guidelines, 2015. Collection method: clinical testing. Allele origin: germline.
Comment: This variant is classified as likely benign based on ACMG/AMP sequence variant interpretation guidelines (Richards et al. 2015 PMID: 25741868, with internal and published modifications).

Labcorp Genetics (formerly Invitae), Labcorp
Classification: Likely benign for Early-infantile DEE. Last evaluated: 2025-01-30. Review status: criteria provided, single submitter. Criteria: Invitae Variant Classification Sherloc (09022015). Collection method: clinical testing. Allele origin: germline.

Genome-Nilou Lab
Classification: Likely benign for Developmental and epileptic encephalopathy, 5. Last evaluated: 2021-07-15. Review status: criteria provided, single submitter. Criteria: ACMG Guidelines, 2015. Collection method: clinical testing. Allele origin: germline. Affected: no.

GeneDx
Classification: Likely benign. Last evaluated: 2018-01-30. Review status: criteria provided, single submitter. Criteria: GeneDx Variant Classification (06012015). Collection method: clinical testing. Allele origin: germline. Affected: yes.
Comment: This variant is considered likely benign or benign based on one or more of the following criteria: it is a conservative change, it occurs at a poorly conserved position in the protein, it is predicted to be benign by multiple in silico algorithms, and/or has population frequency not consistent with disease.

Ambry Genetics
Classification: Likely benign for Inborn genetic diseases. Last evaluated: 2017-09-06. Review status: criteria provided, single submitter. Criteria: Ambry Variant Classification Scheme 2023. Collection method: clinical testing. Allele origin: germline.